The following is an entry in ClinVar:

NM_022132.5(MCCC2):c.295G>C (p.Glu99Gln)

Gene: MCCC2 (methylcrotonyl-CoA carboxylase subunit 2; plus strand). Cytogenetic location: 5q13.2.
Variant type: single nucleotide variant.
Coding change: c.295G>C on transcript NM_022132.5 (MANE Select); coding-DNA position 295, G replaced by C.
Protein change: p.Glu99Gln; replaces glutamic acid 99 with glutamine.
Molecular consequence: missense variant.
Genome position (GRCh38, 1-based): chr5:71,599,672, G>C. VCF-style: chr5-71599672-G-C. GRCh37 (hg19) VCF-style: chr5-70895499-G-C.
Other names: c.295G>C, p.Glu99Gln (NM_001363147.1); short protein forms E99Q.
Identifiers: ClinVar variation 1920 (VCV000001920.30), dbSNP rs119103219, ClinGen allele CA223633.
Genomic context (GRCh38, chr5:71,599,672, plus strand): 5'-TAGTTTTTAATGACATTAATTCAAACAACATCCTTTCTTCGCTTTAGGTCTCCATTTCTG[G>C]AATTATCCCAGTTTGCAGGTTACCAGTTATATGACAATGAGGAGGTGCCAGGAGGTGGCA-3'
Protein context (NP_071415.1, residues 89-109): NLIDPGSPFL[Glu99Gln]LSQFAGYQLY

ClinVar aggregate classification (germline): Pathogenic/Likely pathogenic. Review status: criteria provided, multiple submitters, no conflicts (2 of 4 stars). 11 submissions from 11 submitters: Pathogenic (8); Likely pathogenic (2). 1 of the submissions does not count toward it. Last evaluated 2026-04-01.

Conditions:
MCCC2-related disorder. Also called: MCCC2-related condition.
Methylcrotonyl-CoA carboxylase deficiency. Also called: Deficiency of methylcrotonoyl-CoA carboxylase; 3 Methylcrotonylglycinuria; 3-MCC Deficiency. Identifiers: Orphanet 6, MedGen C4551505, MONDO:0018950.
3-methylcrotonyl-CoA carboxylase 2 deficiency. Also called: METHYLCROTONYLGLYCINURIA, TYPE II; 3 alpha methylcrotonyl-CoA carboxylase 2 deficiency; 3 alpha methylcrotonylglycinuria 2; MCC 2 deficiency; Methylcrotonylglycinuria type 2. Identifiers: Orphanet 6, MedGen C1859499, MONDO:0008862, OMIM 210210.

Allele frequency attached by ClinVar (database versions not stated): gnomAD exomes 0.00004 and 0.00007; gnomAD 0.00005 and 0.00014; 1000 Genomes Project 0.00040; 1000 Genomes Project 30x 0.00031; ExAC 0.00002; TOPMed 0.00021; ESP Exome Variant Server 0.00023.
gnomAD v4.1: 117 of 1,613,846 alleles (0.0072%); highest among the groups gnomAD compares: Non-Finnish European, 0.008%; no homozygotes.

Submissions (11):

CeGaT Center for Human Genetics Tuebingen
Classification: Likely pathogenic. Last evaluated: 2026-04-01. Review status: criteria provided, single submitter. Criteria: CeGaT Center For Human Genetics Tuebingen Variant Classification Criteria Version 2. Collection method: clinical testing. Allele origin: germline. Affected: yes. Observed: 1 variant allele.
Comment: MCCC2: PM3:Strong, PM2, PP4:Moderate, PS3:Supporting

Natera, Inc.
Classification: Pathogenic for 3-methylcrotonyl-CoA carboxylase 2 deficiency. Last evaluated: 2026-01-23. Review status: criteria provided, single submitter. Criteria: Natera Variant Classification Schema (03/2026). Collection method: clinical testing. Allele origin: germline.
Comment: The c.295G>C variant in MCCC2 is a missense variant predicted to cause substitution of glutamic acid to glutamine at amino acid 99. This variant is rare in the general population with a frequency below the threshold expected for the associated phenotype(s). This variant has been observed in one or more individuals affected with the associated recessive disease, as either homozygous or compound heterozygous with a second variant (PMID: 11181649, 22658692, 30626930, 22642865). Functional studies show that this variant may disrupt protein function (PMID: 11181649). Computational prediction algorithms indicate this variant is likely to affect gene or protein function. Given the available evidence, this variant is classified as Pathogenic.

GeneDx
Classification: Pathogenic. Last evaluated: 2025-11-14. Review status: criteria provided, single submitter. Criteria: GeneDx Variant Classification Process June 2021. Collection method: clinical testing. Allele origin: germline. Affected: yes.
Comment: Not observed at significant frequency in large population cohorts (gnomAD); In silico analysis supports that this missense variant has a deleterious effect on protein structure/function; This variant is associated with the following publications: (PMID: 16010683, 25255367, 34426522, Bektas2021[Arrticle], 31209396, 25087612, 27033733, 25356967, 19630565, 16835865, 31980526, 11406611, 22642865, 11181649, 31028937)

Labcorp Genetics (formerly Invitae), Labcorp
Classification: Pathogenic for 3-methylcrotonyl-CoA carboxylase 2 deficiency. Last evaluated: 2025-10-28. Review status: criteria provided, single submitter. Criteria: Invitae Variant Classification Sherloc (09022015). Collection method: clinical testing. Allele origin: germline.
Comment: This sequence change replaces glutamic acid, which is acidic and polar, with glutamine, which is neutral and polar, at codon 99 of the MCCC2 protein (p.Glu99Gln). This variant is present in population databases (rs119103219, gnomAD 0.007%). This missense change has been observed in individual(s) with 3-Methylcrotonyl-CoA carboxylase deficiency (PMID: 11181649, 11406611, 22642865). ClinVar contains an entry for this variant (Variation ID: 1920). Invitae Evidence Modeling of protein sequence and biophysical properties (such as structural, functional, and spatial information, amino acid conservation, physicochemical variation, residue mobility, and thermodynamic stability) has been performed for this missense variant. However, the output from this modeling did not meet the statistical confidence thresholds required to predict the impact of this variant on MCCC2 protein function. Experimental studies have shown that this missense change affects MCCC2 function (PMID: 11181649). For these reasons, this variant has been classified as Pathogenic.

Women's Health and Genetics/Laboratory Corporation of America, LabCorp
Classification: Pathogenic for Methylcrotonyl-CoA carboxylase deficiency. Last evaluated: 2025-03-19. Review status: criteria provided, single submitter. Criteria: LabCorp Variant Classification Summary - May 2015. Collection method: clinical testing. Allele origin: germline.
Comment: Variant summary: MCCC2 c.295G>C (p.Glu99Gln) results in a conservative amino acid change in the encoded protein sequence. Four of five in-silico tools predict a damaging effect of the variant on protein function. The variant allele was found at a frequency of 3.6e-05 in 251438 control chromosomes (gnomAD). c.295G>C has been reported in the literature in multiple individuals affected with Methylcrotonyl-CoA Carboxylase Deficiency (e.g. Grunert_2012). These data indicate that the variant is very likely to be associated with disease. The following publication has been ascertained in the context of this evaluation (PMID: 22642865). ClinVar contains an entry for this variant (Variation ID: 1920). Based on the evidence outlined above, the variant was classified as pathogenic.

Fulgent Genetics
Classification: Pathogenic for 3-methylcrotonyl-CoA carboxylase 2 deficiency. Last evaluated: 2024-05-29. Review status: criteria provided, single submitter. Criteria: ACMG Guidelines, 2015. Collection method: clinical testing. Allele origin: germline.

Department of Human Genetics, Hannover Medical School
Classification: Pathogenic for 3-methylcrotonyl-CoA carboxylase 2 deficiency. Last evaluated: 2024-01-10. Review status: criteria provided, single submitter. Criteria: ACMG Guidelines, 2015. Collection method: clinical testing. Allele origin: germline. Affected: yes.

Blueprint Genetics
Classification: Pathogenic for MCCC2-related disorders. Last evaluated: 2022-04-22. Review status: criteria provided, single submitter. Criteria: ACMG Guidelines, 2015. Collection method: clinical testing. Allele origin: germline. Affected: yes. Observed: 3 variant alleles.

Revvity Omics, Revvity
Classification: Likely pathogenic for 3-methylcrotonyl-CoA carboxylase 2 deficiency. Last evaluated: 2021-11-18. Review status: criteria provided, single submitter. Criteria: ACMG Guidelines, 2015. Collection method: clinical testing. Allele origin: germline.

Eurofins Ntd Llc (ga)
Classification: Pathogenic. Last evaluated: 2015-01-06. Review status: criteria provided, single submitter. Criteria: EGL Classification Definitions. Collection method: clinical testing. Allele origin: germline. Observed: 3 variant alleles, 3 heterozygotes.

OMIM
Classification: Pathogenic for 3-METHYLCROTONYL-CoA CARBOXYLASE 2 DEFICIENCY. Last evaluated: 2001-02-01. Review status: no assertion criteria provided. Collection method: literature only. Allele origin: germline. Not counted in ClinVar's aggregate classification.

Literature cited by the submitters: PubMed 11181649 (cited by 3 submitters); PubMed 22658692 (cited by Natera, Inc.); PubMed 30626930 (cited by Natera, Inc.); PubMed 22642865 (cited by 3 submitters); PubMed 11406611 (cited by Labcorp Genetics (formerly Invitae), Labcorp); PubMed 1293382 (cited by OMIM); PubMed 9544913 (cited by OMIM).